The following is an entry in ClinVar:

NM_003000.3(SDHB):c.423+7T>A

Gene: SDHB (succinate dehydrogenase complex iron sulfur subunit B; minus strand). Cytogenetic location: 1p36.13.
Variant type: single nucleotide variant.
Coding change: c.423+7T>A on transcript NM_003000.3 (MANE Select); 7 bases into the intron after coding-DNA position 423, T replaced by A.
Molecular consequence: intron variant.
Genome position (GRCh38, 1-based): chr1:17,028,593, A>T on the plus strand (T>A on the coding strand, the complement: SDHB is on the minus strand). VCF-style: chr1-17028593-A-T. GRCh37 (hg19) VCF-style: chr1-17355088-A-T.
Identifiers: ClinVar variation 1995779 (VCV001995779.4), dbSNP rs2101522903, ClinGen allele CA2580060959.
Genomic context (GRCh38, chr1:17,028,593, plus strand): 5'-AGCGTAACACACATAGCACTGCCCCCCATGCAAATAAAAACAAAACCAGAGAGATGCAGA[A>T]ACTCACGGGAACAAGATCCTTTATCACATACATGTGTGGAAGAGGGTAGATTTTTGAGAC-3'

ClinVar aggregate classification (germline): Uncertain significance (1 of 4 stars; one submission).

Conditions:
Pheochromocytoma. Also called: MAX-Related Hereditary Paraganglioma-Pheochromocytoma Syndrome. Identifiers: Orphanet 29072, MedGen C0031511, MONDO:0008233, OMIM 171300, HP:0002666.
Gastrointestinal stromal tumor. Also called: Gastrointestinal stroma tumor; Gastrointestinal stromal tumor, somatic. Identifiers: Orphanet 44890, MedGen C0238198, MeSH D046152, MONDO:0011719, OMIM 606764, HP:0100723.
Pheochromocytoma/paraganglioma syndrome 4. Also called: CAROTID BODY TUMORS AND MULTIPLE EXTRAADRENAL PHEOCHROMOCYTOMAS; PARAGANGLIOMA, FAMILIAL MALIGNANT; PARAGANGLIOMAS, HEREDITARY EXTRAADRENAL; PHEOCHROMOCYTOMA, FAMILIAL EXTRAADRENAL; Paragangliomas 4; SDHB-Related Hereditary Paraganglioma-Pheochromocytoma Syndrome (Paragangliomas 4). Identifiers: Orphanet 29072, MedGen C1861848, MONDO:0007273, OMIM 115310.

Submission:

Labcorp Genetics (formerly Invitae), Labcorp
Classification: Uncertain significance for Gastrointestinal stromal tumor; Pheochromocytoma/paraganglioma syndrome 4; Pheochromocytoma. Last evaluated: 2022-05-17. Review status: criteria provided, single submitter. Criteria: Invitae Variant Classification Sherloc (09022015). Collection method: clinical testing. Allele origin: germline.
Comment: This sequence change falls in intron 4 of the SDHB gene. It does not directly change the encoded amino acid sequence of the SDHB protein. This variant is not present in population databases (gnomAD no frequency). This variant has not been reported in the literature in individuals affected with SDHB-related conditions. Algorithms developed to predict the effect of sequence changes on RNA splicing suggest that this variant may disrupt the consensus splice site. In summary, the available evidence is currently insufficient to determine the role of this variant in disease. Therefore, it has been classified as a Variant of Uncertain Significance.